The following is an entry in ClinVar:

ClinVar aggregate classification (germline): Uncertain significance (1 of 4 stars; one submission).

Allele frequency attached by ClinVar (database versions not stated): ExAC 0.00001; gnomAD exomes 0.00002; gnomAD 0.00004; TOPMed 0.00004; ESP Exome Variant Server 0.00008; 1000 Genomes Project 30x 0.00016; 1000 Genomes Project 0.00020.
gnomAD v4.1: 14 of 1,612,210 alleles (0.00087%); highest among the groups gnomAD compares: African/African-American, 0.015%; no homozygotes.

Submission:

Labcorp Genetics (formerly Invitae), Labcorp
Classification: Uncertain significance. Last evaluated: 2022-08-31. Review status: criteria provided, single submitter. Criteria: Invitae Variant Classification Sherloc (09022015). Collection method: clinical testing. Allele origin: germline.
Comment: This sequence change replaces glutamic acid, which is acidic and polar, with lysine, which is basic and polar, at codon 191 of the SFTPC protein (p.Glu191Lys). This variant is present in population databases (rs200839715, gnomAD 0.02%). This missense change has been observed in individual(s) with clinical features of SFTPC deficiency (PMID: 25657025). ClinVar contains an entry for this variant (Variation ID: 1389667). Algorithms developed to predict the effect of missense changes on protein structure and function (SIFT, PolyPhen-2, Align-GVGD) all suggest that this variant is likely to be tolerated. In summary, the available evidence is currently insufficient to determine the role of this variant in disease. Therefore, it has been classified as a Variant of Uncertain Significance.

Literature cited by the submitters: PubMed 25657025.

NM_001317778.2(SFTPC):c.553G>A (p.Glu185Lys)

Gene: SFTPC (surfactant protein C; plus strand). Cytogenetic location: 8p21.3.
Variant type: single nucleotide variant.
Coding change: c.553G>A on transcript NM_001317778.2 (MANE Select); coding-DNA position 553, G replaced by A.
Protein change: p.Glu185Lys; replaces glutamic acid 185 with lysine.
Molecular consequence: missense variant.
Genome position (GRCh38, 1-based): chr8:22,164,018, G>A. VCF-style: chr8-22164018-G-A. GRCh37 (hg19) VCF-style: chr8-22021531-G-A.
Other names: c.553G>A, p.Glu185Lys (NM_001172357.2, NM_001317780.2, NM_001385656.1 and 3 more transcripts); c.571G>A, p.Glu191Lys (NM_001172410.2, NM_001385653.1, NM_001385654.1 and 2 more transcripts); c.412G>A, p.Glu138Lys (NM_001317779.2, NM_001385660.1); short protein forms E138K, E185K, E191K.
Identifiers: ClinVar variation 1389667 (VCV001389667.3), dbSNP rs200839715, ClinGen allele CA4664081.